The following is an entry in ClinVar:

NM_006922.4(SCN3A):c.5658C>T (p.Val1886=)

Gene: SCN3A (sodium voltage-gated channel alpha subunit 3; minus strand). Cytogenetic location: 2q24.3.
Variant type: single nucleotide variant.
Coding change: c.5658C>T on transcript NM_006922.4 (MANE Select); coding-DNA position 5658, C replaced by T.
Protein change: p.Val1886=; no amino-acid change (valine 1886 retained).
Molecular consequence: synonymous variant.
Genome position (GRCh38, 1-based): chr2:165,090,495, G>A on the plus strand (C>T on the coding strand, the complement: SCN3A is on the minus strand). VCF-style: chr2-165090495-G-A. GRCh37 (hg19) VCF-style: chr2-165947005-G-A.
Other names: c.5511C>T, p.Val1837= (NM_001081676.2, NM_001081677.2).
Identifiers: ClinVar variation 412601 (VCV000412601.45), dbSNP rs141161490, ClinGen allele CA1938373.

ClinVar aggregate classification (germline): Benign/Likely benign. Review status: criteria provided, multiple submitters, no conflicts (2 of 4 stars). 7 submissions from 7 submitters: Benign (3); Likely benign (2). 2 of the submissions do not count toward it. Last evaluated 2026-07-01.

Allele frequency attached by ClinVar (database versions not stated): TOPMed 0.00052; ESP Exome Variant Server 0.00054; gnomAD 0.00063 and 0.00066; 1000 Genomes Project 30x 0.00078; gnomAD exomes 0.00083 and 0.00103; ExAC 0.00095; 1000 Genomes Project 0.00100.

Submissions (7):

CeGaT Center for Human Genetics Tuebingen
Classification: Likely benign. Last evaluated: 2026-07-01. Review status: criteria provided, single submitter. Criteria: CeGaT Center For Human Genetics Tuebingen Variant Classification Criteria Version 2. Collection method: clinical testing. Allele origin: germline. Affected: yes. Observed: 14 variant alleles.
Comment: SCN3A: BP4, BP7, BS1

Labcorp Genetics (formerly Invitae), Labcorp
Classification: Benign. Last evaluated: 2026-01-29. Review status: criteria provided, single submitter. Criteria: Invitae Variant Classification Sherloc (09022015). Collection method: clinical testing. Allele origin: germline.

Laboratory of Genetics, Children's Clinical University Hospital Latvia
Classification: Benign. Last evaluated: 2025-02-16. Review status: criteria provided, single submitter. Criteria: ACMG Guidelines, 2015. Collection method: clinical testing. Allele origin: germline. Affected: yes.

Blueprint Genetics
Classification: Likely benign. Last evaluated: 2024-11-11. Review status: criteria provided, single submitter. Criteria: ACMG Guidelines, 2015. Collection method: clinical testing. Allele origin: germline.

ARUP Laboratories, Molecular Genetics and Genomics, ARUP Laboratories
Classification: Benign. Last evaluated: 2024-11-06. Review status: criteria provided, single submitter. Criteria: ARUP Molecular Germline Variant Investigation Process 2024. Collection method: clinical testing. Allele origin: germline.

Genome Diagnostics Laboratory, University Medical Center Utrecht
Classification: Benign. Review status: no assertion criteria provided. Collection method: clinical testing. Allele origin: germline. Affected: yes. Study: VKGL Data-share Consensus. Not counted in ClinVar's aggregate classification.

Joint Genome Diagnostic Labs from Nijmegen and Maastricht, Radboudumc and MUMC+
Classification: Likely benign. Review status: no assertion criteria provided. Collection method: clinical testing. Allele origin: germline. Affected: yes. Study: VKGL Data-share Consensus. Not counted in ClinVar's aggregate classification.